The following is an entry in ClinVar:

NM_000082.4(ERCC8):c.641G>A (p.Trp214Ter)

Gene: ERCC8 (ERCC excision repair 8, CSA ubiquitin ligase complex subunit; minus strand). Cytogenetic location: 5q12.1.
Variant type: single nucleotide variant.
Coding change: c.641G>A on transcript NM_000082.4 (MANE Select); coding-DNA position 641, G replaced by A.
Protein change: p.Trp214Ter; replaces tryptophan 214 with a stop codon.
Molecular consequence: nonsense.
Genome position (GRCh38, 1-based): chr5:60,899,704, C>T on the plus strand (G>A on the coding strand, the complement: ERCC8 is on the minus strand). VCF-style: chr5-60899704-C-T. GRCh37 (hg19) VCF-style: chr5-60195531-C-T.
Other names: c.467G>A, p.Trp156Ter (NM_001007233.3); c.182G>A, p.Trp61Ter (NM_001290285.2); short protein forms W156*, W214*, W61*.
Identifiers: ClinVar variation 5011465 (VCV005011465.1).
Genomic context (GRCh38, chr5:60,899,704, plus strand): 5'-GACTTTTTCCCATTATGTTGATCAAGAGTAATCAAACATCCTGATGCTCTTCTCACATCC[C>T]ATAATTTTACTCTACTGTCAGCACTGAGAAGAAATAAATGTTACATTGACATATGTAGCT-3'

ClinVar aggregate classification (germline): Pathogenic (1 of 4 stars; one submission).

Conditions:
Cockayne syndrome type 1. Also called: Cockayne syndrome type I; Cockayne syndrome classical; Cockayne syndrome classic form. Identifiers: Orphanet 191, Orphanet 90321, MedGen C0751039, MONDO:0019569, OMIM 216400.

Submission:

Myriad Genetics, Inc.
Classification: Pathogenic for Cockayne syndrome type 1. Last evaluated: 2023-08-23. Review status: criteria provided, single submitter. Criteria: Myriad Autosomal Dominant, Autosomal Recessive and X-Linked Classification Criteria (2023). Collection method: clinical testing. Allele origin: unknown.
Comment: NM_000082.3(ERCC8):c.641G>A(W214*) is expected to be pathogenic in the context of ERCC8-related disorders. This variant is predicted to lead to an abnormal or absent protein product due to the creation of a premature termination codon in ERCC8, a gene where loss-of-function variants are known to be pathogenic. Please note: this variant was assessed in the context of healthy population screening.